The following is an entry in ClinVar:

ClinVar aggregate classification (germline): Uncertain significance (1 of 4 stars; one submission).

Submission:

GeneDx
Classification: Uncertain significance. Last evaluated: 2026-03-03. Review status: criteria provided, single submitter. Criteria: GeneDx Variant Classification Process June 2021. Collection method: clinical testing. Allele origin: germline.
Comment: Not observed at significant frequency in large population cohorts (gnomAD); Frameshift variant predicted to result in protein truncation or nonsense mediated decay in a gene or region of a gene for which loss of function is not a well-established mechanism of disease; Has not been previously published as pathogenic or benign to our knowledge

NM_005360.5(MAF):c.677del (p.Gly226fs)

Gene: MAF (MAF bZIP transcription factor; minus strand). Cytogenetic location: 16q23.2.
Variant type: Deletion.
Coding change: c.677del on transcript NM_005360.5 (MANE Select); coding-DNA position 677, one base deleted (G; older notation c.677delG).
Protein change: p.Gly226fs; shifts the reading frame from glycine 226.
Molecular consequence: frameshift variant.
Genome position (GRCh38, 1-based): chr16:79,599,226, C deleted on the plus strand (G on the coding strand, the reverse complement: MAF is on the minus strand); the first of 5 consecutive C bases (chr16:79,599,226-79,599,230); deleting any one gives the same sequence. VCF-style (leftmost placement, unchanged base first): chr16-79599225-GC-G. GRCh37 (hg19) VCF-style: chr16-79633122-GC-G.
Other names: c.677del, p.Gly226fs (NM_001031804.3); short protein forms G226fs.
Identifiers: ClinVar variation 5008020 (VCV005008020.1).